The following is an entry in ClinVar:

ClinVar aggregate classification (germline): Uncertain significance (1 of 4 stars; one submission).

Allele frequency attached by ClinVar (database versions not stated): gnomAD 0.00001; TOPMed 0.00002; gnomAD exomes 0.00005; ExAC 0.00007.
gnomAD v4.1: 14 of 1,612,812 alleles (0.00087%); highest among the groups gnomAD compares: Admixed American, 0.023%; no homozygotes.

Submission:

Labcorp Genetics (formerly Invitae), Labcorp
Classification: Uncertain significance. Last evaluated: 2024-10-16. Review status: criteria provided, single submitter. Criteria: Invitae Variant Classification Sherloc (09022015). Collection method: clinical testing. Allele origin: germline.
Comment: This sequence change replaces isoleucine, which is neutral and non-polar, with leucine, which is neutral and non-polar, at codon 1129 of the LAMC3 protein (p.Ile1129Leu). This variant is present in population databases (rs777867876, gnomAD 0.04%). This variant has not been reported in the literature in individuals affected with LAMC3-related conditions. ClinVar contains an entry for this variant (Variation ID: 1401074). An algorithm developed to predict the effect of missense changes on protein structure and function outputs the following: PolyPhen-2: "Benign". The leucine amino acid residue is found in multiple mammalian species, which suggests that this missense change does not adversely affect protein function. In summary, the available evidence is currently insufficient to determine the role of this variant in disease. Therefore, it has been classified as a Variant of Uncertain Significance.

NM_006059.4(LAMC3):c.3385A>C (p.Ile1129Leu)

Gene: LAMC3 (laminin subunit gamma 3; plus strand). Cytogenetic location: 9q34.12.
Variant type: single nucleotide variant.
Coding change: c.3385A>C on transcript NM_006059.4 (MANE Select); coding-DNA position 3385, A replaced by C.
Protein change: p.Ile1129Leu; replaces isoleucine 1129 with leucine.
Molecular consequence: missense variant.
Genome position (GRCh38, 1-based): chr9:131,072,803, A>C. VCF-style: chr9-131072803-A-C. GRCh37 (hg19) VCF-style: chr9-133948190-A-C.
Other names: short protein forms I1129L.
Identifiers: ClinVar variation 1401074 (VCV001401074.7), dbSNP rs777867876, ClinGen allele CA5287766.